The following is an entry in ClinVar:

NM_001042492.3(NF1):c.3315-8T>G

Gene: NF1 (neurofibromin 1; plus strand). Cytogenetic location: 17q11.2.
Variant type: single nucleotide variant.
Coding change: c.3315-8T>G on transcript NM_001042492.3 (MANE Select); 8 bases into the intron before coding-DNA position 3315, T replaced by G.
Molecular consequence: intron variant.
Genome position (GRCh38, 1-based): chr17:31,232,692, T>G. VCF-style: chr17-31232692-T-G. GRCh37 (hg19) VCF-style: chr17-29559710-T-G.
Other names: c.3315-8T>G (NM_000267.4).
Identifiers: ClinVar variation 816729 (VCV000816729.6), dbSNP rs764783865, ClinGen allele CA915949879.

ClinVar aggregate classification (germline): Pathogenic/Likely pathogenic. Review status: criteria provided, multiple submitters, no conflicts (2 of 4 stars). 2 submissions from 2 submitters: Pathogenic (1); Likely pathogenic (1). Last evaluated 2022-03-02.

Conditions:
Neurofibromatosis, type 1 (NF1). Also called: Peripheral type neurofibromatosis; Neurofibromatosis, type I; NEUROFIBROMATOSIS, TYPE I, SOMATIC; VON RECKLINGHAUSEN DISEASE. Identifiers: Orphanet 636, MedGen C0027831, MONDO:0018975, OMIM 162200. Disease mechanism: loss of function.

Submissions (2):

Labcorp Genetics (formerly Invitae), Labcorp
Classification: Likely pathogenic for Neurofibromatosis, type 1. Last evaluated: 2022-03-02. Review status: criteria provided, single submitter. Criteria: Invitae Variant Classification Sherloc (09022015). Collection method: clinical testing. Allele origin: germline.
Comment: This sequence change falls in intron 25 of the NF1 gene. It does not directly change the encoded amino acid sequence of the NF1 protein. RNA analysis indicates that this variant induces altered splicing and may result in an absent or disrupted protein product. This variant is not present in population databases (gnomAD no frequency). This variant has been observed in individual(s) with neurofibromatosis type 1 (NF1) (PMID: 32126153; Invitae). ClinVar contains an entry for this variant (Variation ID: 816729). Studies have shown that this variant results in skipping of exon 26 and introduces a premature termination codon (PMID: 32126153). The resulting mRNA is expected to undergo nonsense-mediated decay. In summary, the currently available evidence indicates that the variant is pathogenic, but additional data are needed to prove that conclusively. Therefore, this variant has been classified as Likely Pathogenic.

UAB Medical Genomics Laboratory, UAB Medicine
Classification: Pathogenic for Neurofibromatosis, type 1. Last evaluated: 2020-01-20. Review status: criteria provided, single submitter. Criteria: ACMG Guidelines, 2015. Collection method: clinical testing. Allele origin: germline. Affected: yes.

Literature cited by the submitters: PubMed 32126153 (cited by Labcorp Genetics (formerly Invitae), Labcorp and UAB Medical Genomics Laboratory, UAB Medicine).